The following is an entry in ClinVar:

NM_182972.3(IRF2BP2):c.427G>A (p.Ala143Thr)

Genes: IRF2BP2 (interferon regulatory factor 2 binding protein 2; minus strand), LOC129932812 (ATAC-STARR-seq lymphoblastoid silent region 1977; plus strand). Cytogenetic location: 1q42.3.
Variant type: single nucleotide variant.
Coding change: c.427G>A on transcript NM_182972.3 (MANE Select); coding-DNA position 427, G replaced by A.
Protein change: p.Ala143Thr; replaces alanine 143 with threonine.
Molecular consequence: missense variant.
Genome position (GRCh38, 1-based): chr1:234,609,068, C>T on the plus strand (G>A on the coding strand, the complement: IRF2BP2 is on the minus strand). VCF-style: chr1-234609068-C-T. GRCh37 (hg19) VCF-style: chr1-234744814-C-T.
Other names: c.427G>A, p.Ala143Thr (NM_001077397.1); short protein forms A143T.
Identifiers: ClinVar variation 1435747 (VCV001435747.6), dbSNP rs1350276634, ClinGen allele CA345310452.

ClinVar aggregate classification (germline): Uncertain significance (1 of 4 stars; one submission).

Allele frequency attached by ClinVar (database versions not stated): gnomAD 0.00001; gnomAD exomes 0.00001; TOPMed 0.00001.
gnomAD v4.1: 13 of 1,265,990 alleles (0.001%); highest among the groups gnomAD compares: Middle Eastern, 0.056%; 1 homozygote.

Submission:

Labcorp Genetics (formerly Invitae), Labcorp
Classification: Uncertain significance. Last evaluated: 2025-10-03. Review status: criteria provided, single submitter. Criteria: Invitae Variant Classification Sherloc (09022015). Collection method: clinical testing. Allele origin: germline.
Comment: This sequence change replaces alanine, which is neutral and non-polar, with threonine, which is neutral and polar, at codon 143 of the IRF2BP2 protein (p.Ala143Thr). This variant is not present in population databases (gnomAD no frequency). This variant has not been reported in the literature in individuals affected with IRF2BP2-related conditions. ClinVar contains an entry for this variant (Variation ID: 1435747). An algorithm developed to predict the effect of missense changes on protein structure and function outputs the following: PolyPhen-2: "Benign". The threonine amino acid residue is found in multiple mammalian species, which suggests that this missense change does not adversely affect protein function. In summary, the available evidence is currently insufficient to determine the role of this variant in disease. Therefore, it has been classified as a Variant of Uncertain Significance.